The following is an entry in ClinVar:

NM_021620.4(PRDM13):c.1656G>T (p.Ala552=)

Gene: PRDM13 (PR/SET domain 13; plus strand). Cytogenetic location: 6q16.2.
Variant type: single nucleotide variant.
Coding change: c.1656G>T on transcript NM_021620.4 (MANE Select); coding-DNA position 1656, G replaced by T.
Protein change: p.Ala552=; no amino-acid change (alanine 552 retained).
Molecular consequence: synonymous variant.
Genome position (GRCh38, 1-based): chr6:99,614,291, G>T. VCF-style: chr6-99614291-G-T. GRCh37 (hg19) VCF-style: chr6-100062167-G-T.
Other names: c.1656G>T (NM_021620.3).
Identifiers: ClinVar variation 1136182 (VCV001136182.11), dbSNP rs1021739985, ClinGen allele CA143976095.

ClinVar aggregate classification (germline): Likely benign. Review status: criteria provided, multiple submitters, no conflicts (2 of 4 stars). 3 submissions from 3 submitters: Likely benign (3). Last evaluated 2026-09-23.

Conditions:
PRDM13-related disorder. Also called: PRDM13-related condition.

Allele frequency attached by ClinVar (database versions not stated): gnomAD exomes 0.00001; gnomAD 0.00007 and 0.00008.

Submissions (3):

PreventionGenetics, part of Exact Sciences
Classification: Likely benign for PRDM13-related condition. Last evaluated: 2026-09-23. Review status: criteria provided, single submitter. Criteria: ACMG Guidelines, 2015. Collection method: clinical testing. Allele origin: germline.
Comment: This variant is classified as likely benign based on ACMG/AMP sequence variant interpretation guidelines (Richards et al. 2015 PMID: 25741868, with internal and published modifications).

Labcorp Genetics (formerly Invitae), Labcorp
Classification: Likely benign. Last evaluated: 2024-10-15. Review status: criteria provided, single submitter. Criteria: Invitae Variant Classification Sherloc (09022015). Collection method: clinical testing. Allele origin: germline.

Blueprint Genetics
Classification: Likely benign. Last evaluated: 2024-06-27. Review status: criteria provided, single submitter. Criteria: ACMG Guidelines, 2015. Collection method: clinical testing. Allele origin: germline.